The following is an entry in ClinVar:

ClinVar aggregate classification (germline): Benign (1 of 4 stars; one submission).

Allele frequency attached by ClinVar (database versions not stated): gnomAD 0.05495 and 0.06416; 1000 Genomes Project 30x 0.15240; 1000 Genomes Project 0.16314.
gnomAD v4.1: 9,542 of 148,172 alleles (6.4%); highest among the groups gnomAD compares: East Asian, 36%; 519 homozygotes.

Submission:

GeneDx
Classification: Benign. Last evaluated: 2018-06-14. Review status: criteria provided, single submitter. Criteria: GeneDx Variant Classification (06012015). Collection method: clinical testing. Allele origin: germline. Affected: yes.
Comment: This variant is considered likely benign or benign based on one or more of the following criteria: it is a conservative change, it occurs at a poorly conserved position in the protein, it is predicted to be benign by multiple in silico algorithms, and/or has population frequency not consistent with disease.

NM_024678.6(NARS2):c.1027-265G>T

Gene: NARS2 (asparaginyl-tRNA synthetase 2, mitochondrial; minus strand). Cytogenetic location: 11q14.1.
Variant type: single nucleotide variant.
Coding change: c.1027-265G>T on transcript NM_024678.6 (MANE Select); 265 bases into the intron before coding-DNA position 1027, G replaced by T.
Molecular consequence: intron variant.
Genome position (GRCh38, 1-based): chr11:78,466,278, C>A on the plus strand (G>T on the coding strand, the complement: NARS2 is on the minus strand). VCF-style: chr11-78466278-C-A. GRCh37 (hg19) VCF-style: chr11-78177324-C-A.
Other names: c.346-265G>T (NM_001243251.2).
Identifiers: ClinVar variation 671521 (VCV000671521.1), dbSNP rs11237512, ClinGen allele CA225100253.